The following is an entry in ClinVar:

ClinVar aggregate classification (germline): Conflicting classifications of pathogenicity. Review status: criteria provided, conflicting classifications (1 of 4 stars). 3 submissions from 3 submitters: Uncertain significance (2); Likely benign (1). Last evaluated 2025-09-25.

Conditions:
Autosomal recessive severe congenital neutropenia due to CSF3R deficiency. Also called: Neutropenia, severe congenital, 7, autosomal recessive. Identifiers: Orphanet 420702, MedGen C4310764, MONDO:0014865, OMIM 617014.
Inborn genetic diseases. Identifiers: MedGen C0950123, MeSH D030342.

Allele frequency attached by ClinVar (database versions not stated): ExAC 0.00002; gnomAD exomes 0.00004; TOPMed 0.00004; gnomAD 0.00005 and 0.00006; 1000 Genomes Project 30x 0.00031; 1000 Genomes Project 0.00020.
gnomAD v4.1: 69 of 1,614,142 alleles (0.0043%); highest among the groups gnomAD compares: Middle Eastern, 0.017%; no homozygotes.

Submissions (3):

Ambry Genetics
Classification: Likely benign for Inborn genetic diseases. Last evaluated: 2025-09-25. Review status: criteria provided, single submitter. Criteria: Ambry Variant Classification Scheme 2023. Collection method: clinical testing. Allele origin: germline.

St. Jude Molecular Pathology, St. Jude Children's Research Hospital
Classification: Uncertain significance for Autosomal recessive severe congenital neutropenia due to CSF3R deficiency. Last evaluated: 2024-05-07. Review status: criteria provided, single submitter. Criteria: St. Jude Assertion Criteria 2020. Collection method: clinical testing. Allele origin: germline.
Comment: The CSF3R c.1253G>A (p.Arg418His) missense change has a maximum subpopulation frequency of 0.0080% in gnomAD v2.1.1. The in silico tool REVEL predicts a benign effect on protein function, but to our knowledge this prediction has not been confirmed by functional studies. To our knowledge, this variant has not been reported in individuals with CSF3R-related severe congenital neutropenia. In summary, the evidence currently available is insufficient to determine the clinical significance of this variant. It has therefore been classified as of uncertain significance.

Labcorp Genetics (formerly Invitae), Labcorp
Classification: Uncertain significance for Autosomal recessive severe congenital neutropenia due to CSF3R deficiency. Last evaluated: 2023-07-25. Review status: criteria provided, single submitter. Criteria: Invitae Variant Classification Sherloc (09022015). Collection method: clinical testing. Allele origin: germline.
Comment: In summary, the available evidence is currently insufficient to determine the role of this variant in disease. Therefore, it has been classified as a Variant of Uncertain Significance. Advanced modeling of protein sequence and biophysical properties (such as structural, functional, and spatial information, amino acid conservation, physicochemical variation, residue mobility, and thermodynamic stability) performed at Invitae indicates that this missense variant is not expected to disrupt CSF3R protein function. This sequence change replaces arginine, which is basic and polar, with histidine, which is basic and polar, at codon 418 of the CSF3R protein (p.Arg418His). This variant is present in population databases (rs564880597, gnomAD 0.008%). This variant has not been reported in the literature in individuals affected with CSF3R-related conditions. ClinVar contains an entry for this variant (Variation ID: 1481195).

NM_000760.4(CSF3R):c.1253G>A (p.Arg418His)

Gene: CSF3R (colony stimulating factor 3 receptor; minus strand). Cytogenetic location: 1p34.3.
Variant type: single nucleotide variant.
Coding change: c.1253G>A on transcript NM_000760.4 (MANE Select); coding-DNA position 1253, G replaced by A.
Protein change: p.Arg418His; replaces arginine 418 with histidine.
Molecular consequence: missense variant.
Genome position (GRCh38, 1-based): chr1:36,471,465, C>T on the plus strand (G>A on the coding strand, the complement: CSF3R is on the minus strand). VCF-style: chr1-36471465-C-T. GRCh37 (hg19) VCF-style: chr1-36937066-C-T.
Other names: c.1253G>A (NM_000760.3); c.1253G>A, p.Arg418His (NM_156039.3, NM_172313.3); short protein forms R418H.
Identifiers: ClinVar variation 1481195 (VCV001481195.10), dbSNP rs564880597, ClinGen allele CA769251.